The following is an entry in ClinVar:

NM_024577.4(SH3TC2):c.805+3A>C

Gene: SH3TC2 (SH3 domain and tetratricopeptide repeats 2; minus strand). Cytogenetic location: 5q32.
Variant type: single nucleotide variant.
Coding change: c.805+3A>C on transcript NM_024577.4 (MANE Select); 3 bases into the intron after coding-DNA position 805, A replaced by C.
Molecular consequence: intron variant.
Genome position (GRCh38, 1-based): chr5:149,040,601, T>G on the plus strand (A>C on the coding strand, the complement: SH3TC2 is on the minus strand). VCF-style: chr5-149040601-T-G. GRCh37 (hg19) VCF-style: chr5-148420164-T-G.
Identifiers: ClinVar variation 2655895 (VCV002655895.24), dbSNP rs2531790472, ClinGen allele CA2695198764.
Genomic context (GRCh38, chr5:149,040,601, plus strand): 5'-TAAAATTGAGAGGCAGGACAACATTATCTCCCTAACAATACTATGTTTTTGACTCAGCCA[T>G]ACCAATCTGATAGGAGCCTGTCCAATCCCTCTTCCTGGAAAGGCCACAGCTTCCTGGATA-3'

ClinVar aggregate classification (germline): Uncertain significance (1 of 4 stars; one submission).

Submission:

CeGaT Center for Human Genetics Tuebingen
Classification: Uncertain significance. Last evaluated: 2023-03-01. Review status: criteria provided, single submitter. Criteria: CeGaT Center For Human Genetics Tuebingen Variant Classification Criteria Version 2. Collection method: clinical testing. Allele origin: germline. Affected: yes. Observed: 1 variant allele.
Comment: SH3TC2: PM2, PP3